The following is an entry in ClinVar:

NM_000059.4(BRCA2):c.7065A>C (p.Glu2355Asp)

Gene: BRCA2 (BRCA2 DNA repair associated; plus strand). Cytogenetic location: 13q13.1.
Variant type: single nucleotide variant.
Coding change: c.7065A>C on transcript NM_000059.4 (MANE Select); coding-DNA position 7065, A replaced by C.
Protein change: p.Glu2355Asp; replaces glutamic acid 2355 with aspartic acid.
Molecular consequence: missense variant.
Genome position (GRCh38, 1-based): chr13:32,354,918, A>C. VCF-style: chr13-32354918-A-C. GRCh37 (hg19) VCF-style: chr13-32929055-A-C.
Other names: short protein forms E2355D.
Identifiers: ClinVar variation 1408477 (VCV001408477.12), dbSNP rs1000705954, ClinGen allele CA247468252.

ClinVar aggregate classification (germline): Uncertain significance. Review status: criteria provided, multiple submitters, no conflicts (2 of 4 stars). 3 submissions from 3 submitters: Uncertain significance (3). Last evaluated 2024-06-05.

Conditions:
Hereditary cancer-predisposing syndrome. Also called: Hereditary Cancer Syndrome; Tumor predisposition; Hereditary neoplastic syndrome; Neoplastic Syndromes, Hereditary. Identifiers: Orphanet 140162, MedGen C0027672, MeSH D009386, MONDO:0015356.
Hereditary breast ovarian cancer syndrome. Also called: Hereditary breast and ovarian cancer syndrome (HBOC); Breast and ovarian cancer; Hereditary breast and ovarian cancer syndrome; Hereditary breast and/or ovarian cancer syndrome; Hereditary breast and ovarian cancer; BRCA1- and BRCA2-Associated Hereditary Breast and Ovarian Cancer. Identifiers: Orphanet 145, MedGen C0677776, MeSH D061325, MONDO:0003582. Disease mechanism: loss of function.

Allele frequency attached by ClinVar (database versions not stated): TOPMed below 0.00001.

Submissions (3):

Ambry Genetics
Classification: Uncertain significance for Hereditary cancer-predisposing syndrome. Last evaluated: 2024-06-05. Review status: criteria provided, single submitter. Criteria: Ambry Variant Classification Scheme 2023. Collection method: clinical testing. Allele origin: germline.
Comment: The p.E2355D variant (also known as c.7065A>C), located in coding exon 13 of the BRCA2 gene, results from an A to C substitution at nucleotide position 7065. The glutamic acid at codon 2355 is replaced by aspartic acid, an amino acid with highly similar properties. In a study of 196 women with breast cancer and 185 unaffected controls from Cameroon and Uganda, this variant was observed once (Adedokun B et al. Cancer Epidemiol Biomarkers Prev, 2020 02;29:359-367). This amino acid position is not well conserved in available vertebrate species. In addition, the in silico prediction for this alteration is inconclusive. Based on the available evidence, the clinical significance of this variant remains unclear.

GeneDx
Classification: Uncertain significance. Last evaluated: 2023-12-20. Review status: criteria provided, single submitter. Criteria: GeneDx Variant Classification Process June 2021. Collection method: clinical testing. Allele origin: germline. Affected: yes.
Comment: Observed in an individual with breast cancer (PMID: 31871109); Not observed at significant frequency in large population cohorts (gnomAD); In silico analysis supports that this missense variant does not alter protein structure/function; Also known as 7293A>C; This variant is associated with the following publications: (PMID: 31871109)

Labcorp Genetics (formerly Invitae), Labcorp
Classification: Uncertain significance for Hereditary breast ovarian cancer syndrome. Last evaluated: 2021-03-20. Review status: criteria provided, single submitter. Criteria: Invitae Variant Classification Sherloc (09022015). Collection method: clinical testing. Allele origin: germline.
Comment: This variant is not present in population databases (ExAC no frequency). In summary, the available evidence is currently insufficient to determine the role of this variant in disease. Therefore, it has been classified as a Variant of Uncertain Significance. Advanced modeling of protein sequence and biophysical properties (such as structural, functional, and spatial information, amino acid conservation, physicochemical variation, residue mobility, and thermodynamic stability) performed at Invitae indicates that this missense variant is not expected to disrupt BRCA2 protein function. This variant has not been reported in the literature in individuals with BRCA2-related conditions. This sequence change replaces glutamic acid with aspartic acid at codon 2355 of the BRCA2 protein (p.Glu2355Asp). The glutamic acid residue is weakly conserved and there is a small physicochemical difference between glutamic acid and aspartic acid.

Literature cited by the submitters: PubMed 31871109 (cited by Ambry Genetics).